The following is an entry in ClinVar:

ClinVar aggregate classification (germline): Uncertain significance. Review status: criteria provided, multiple submitters, no conflicts (2 of 4 stars). 2 submissions from 2 submitters: Uncertain significance (2). Last evaluated 2025-07-17.

Conditions:
Neurofibromatosis, type 1 (NF1). Also called: NEUROFIBROMATOSIS, TYPE I, SOMATIC; Peripheral type neurofibromatosis; VON RECKLINGHAUSEN DISEASE; Neurofibromatosis, type I. Identifiers: Orphanet 636, MedGen C0027831, MONDO:0018975, OMIM 162200. Disease mechanism: loss of function.
Hereditary cancer-predisposing syndrome. Also called: Tumor predisposition; Hereditary neoplastic syndrome; Hereditary Cancer Syndrome; Neoplastic Syndromes, Hereditary. Identifiers: Orphanet 140162, MedGen C0027672, MeSH D009386, MONDO:0015356.
Cardiovascular phenotype. Identifiers: MedGen CN230736.

Submissions (2):

Ambry Genetics
Classification: Uncertain significance for Cardiovascular phenotype; Hereditary cancer-predisposing syndrome. Last evaluated: 2025-07-17. Review status: criteria provided, single submitter. Criteria: Ambry Variant Classification Scheme 2023. Collection method: clinical testing. Allele origin: germline.
Comment: The p.P1323L variant (also known as c.3968C>T), located in coding exon 29 of the NF1 gene, results from a C to T substitution at nucleotide position 3968. The proline at codon 1323 is replaced by leucine, an amino acid with similar properties. This amino acid position is highly conserved in available vertebrate species. In addition, this alteration is predicted to be deleterious by in silico analysis. Based on the available evidence, the clinical significance of this variant remains unclear.

Labcorp Genetics (formerly Invitae), Labcorp
Classification: Uncertain significance for Neurofibromatosis, type 1. Last evaluated: 2022-03-12. Review status: criteria provided, single submitter. Criteria: Invitae Variant Classification Sherloc (09022015). Collection method: clinical testing. Allele origin: germline.
Comment: In summary, the available evidence is currently insufficient to determine the role of this variant in disease. Therefore, it has been classified as a Variant of Uncertain Significance. Advanced modeling of protein sequence and biophysical properties (such as structural, functional, and spatial information, amino acid conservation, physicochemical variation, residue mobility, and thermodynamic stability) performed at Invitae indicates that this missense variant is expected to disrupt NF1 protein function. This variant has not been reported in the literature in individuals affected with NF1-related conditions. This variant is not present in population databases (gnomAD no frequency). This sequence change replaces proline, which is neutral and non-polar, with leucine, which is neutral and non-polar, at codon 1323 of the NF1 protein (p.Pro1323Leu).

NM_001042492.3(NF1):c.3968C>T (p.Pro1323Leu)

Gene: NF1 (neurofibromin 1; plus strand). Cytogenetic location: 17q11.2.
Variant type: single nucleotide variant.
Coding change: c.3968C>T on transcript NM_001042492.3 (MANE Select); coding-DNA position 3968, C replaced by T.
Protein change: p.Pro1323Leu; replaces proline 1323 with leucine.
Molecular consequence: missense variant.
Genome position (GRCh38, 1-based): chr17:31,236,015, C>T. VCF-style: chr17-31236015-C-T. GRCh37 (hg19) VCF-style: chr17-29563033-C-T.
Other names: c.3968C>T, p.Pro1323Leu (NM_000267.4); short protein forms P1323L.
Identifiers: ClinVar variation 1956656 (VCV001956656.5), dbSNP rs2508265449, ClinGen allele CA398993337.